The following is an entry in ClinVar:

NM_032119.4(ADGRV1):c.16909C>T (p.Gln5637Ter)

Gene: ADGRV1 (adhesion G protein-coupled receptor V1; plus strand). Cytogenetic location: 5q14.3.
Variant type: single nucleotide variant.
Coding change: c.16909C>T on transcript NM_032119.4 (MANE Select); coding-DNA position 16909, C replaced by T.
Protein change: p.Gln5637Ter; replaces glutamine 5637 with a stop codon.
Molecular consequence: nonsense. On other transcripts: non-coding transcript variant (1).
Genome position (GRCh38, 1-based): chr5:90,840,875, C>T. VCF-style: chr5-90840875-C-T. GRCh37 (hg19) VCF-style: chr5-90136692-C-T.
Other names: short protein forms Q5637*.
Identifiers: ClinVar variation 3644409 (VCV003644409.2).

ClinVar aggregate classification (germline): Pathogenic (1 of 4 stars; one submission).

gnomAD v4.1: 1 of 1,607,416 alleles (0.000062%); highest among the groups gnomAD compares: Non-Finnish European, 0.000085%; no homozygotes.

Submission:

Labcorp Genetics (formerly Invitae), Labcorp
Classification: Pathogenic. Last evaluated: 2024-03-03. Review status: criteria provided, single submitter. Criteria: Invitae Variant Classification Sherloc (09022015). Collection method: clinical testing. Allele origin: germline.
Comment: This sequence change creates a premature translational stop signal (p.Gln5637*) in the ADGRV1 gene. It is expected to result in an absent or disrupted protein product. Loss-of-function variants in ADGRV1 are known to be pathogenic (PMID: 19357117, 22135276, 22147658, 26226137, 30718709, 31047384, 32467589). This variant is not present in population databases (gnomAD no frequency). This variant has not been reported in the literature in individuals affected with ADGRV1-related conditions. For these reasons, this variant has been classified as Pathogenic.

Literature cited by the submitters: PubMed 19357117; PubMed 22135276; PubMed 22147658; PubMed 26226137; PubMed 30718709; PubMed 31047384; PubMed 32467589.